The following is an entry in ClinVar:

ClinVar aggregate classification (germline): Uncertain significance. Review status: criteria provided, multiple submitters, no conflicts (2 of 4 stars). 2 submissions from 2 submitters: Uncertain significance (2). Last evaluated 2024-12-12.

Conditions:
Dyskeratosis congenita. Identifiers: Orphanet 1775, MedGen C0265965, MONDO:0015780.
Dyskeratosis congenita, X-linked (DKCX). Also called: Zinsser-Cole-Engman Syndrome. Identifiers: MedGen C1148551, MONDO:0010584, OMIM 305000.

Allele frequency attached by ClinVar (database versions not stated): gnomAD exomes 0.00001.
gnomAD v4.1: 10 of 1,211,346 alleles (0.00083%); highest among the groups gnomAD compares: Non-Finnish European, 0.001%; no homozygotes.

Submissions (2):

Labcorp Genetics (formerly Invitae), Labcorp
Classification: Uncertain significance for Dyskeratosis congenita. Last evaluated: 2024-12-12. Review status: criteria provided, single submitter. Criteria: Invitae Variant Classification Sherloc (09022015). Collection method: clinical testing. Allele origin: germline.
Comment: This sequence change replaces isoleucine, which is neutral and non-polar, with leucine, which is neutral and non-polar, at codon 187 of the DKC1 protein (p.Ile187Leu). This variant is not present in population databases (gnomAD no frequency). This variant has not been reported in the literature in individuals affected with DKC1-related conditions. ClinVar contains an entry for this variant (Variation ID: 2064767). Invitae Evidence Modeling of protein sequence and biophysical properties (such as structural, functional, and spatial information, amino acid conservation, physicochemical variation, residue mobility, and thermodynamic stability) indicates that this missense variant is not expected to disrupt DKC1 protein function with a negative predictive value of 80%. In summary, the available evidence is currently insufficient to determine the role of this variant in disease. Therefore, it has been classified as a Variant of Uncertain Significance.

St. Jude Molecular Pathology, St. Jude Children's Research Hospital
Classification: Uncertain significance for Dyskeratosis congenita, X-linked. Last evaluated: 2023-03-30. Review status: criteria provided, single submitter. Criteria: St. Jude Assertion Criteria 2020. Collection method: clinical testing. Allele origin: germline.
Comment: The DKC1 c.559A>C (p.Ile187Leu) missense change is absent in gnomAD v2.1.1. The in silico tool REVEL is inconclusive about a pathogenic or benign effect of this variant on protein function, and to our knowledge functional studies have not been performed. This variant has not been reported in the literature in individuals with dyskeratosis congenita. In summary, the evidence currently available is insufficient to determine the clinical significance of this variant. It has therefore been classified as of uncertain significance.

NM_001363.5(DKC1):c.559A>C (p.Ile187Leu)

Gene: DKC1 (dyskerin pseudouridine synthase 1; plus strand). Cytogenetic location: Xq28.
Variant type: single nucleotide variant.
Coding change: c.559A>C on transcript NM_001363.5 (MANE Select); coding-DNA position 559, A replaced by C.
Protein change: p.Ile187Leu; replaces isoleucine 187 with leucine.
Molecular consequence: missense variant. On other transcripts: non-coding transcript variant (3).
Genome position (GRCh38, 1-based): chrX:154,767,301, A>C. VCF-style: chrX-154767301-A-C. GRCh37 (hg19) VCF-style: chrX-153995576-A-C.
Other names: c.559A>C, p.Ile187Leu (NM_001142463.3, NM_001288747.2); short protein forms I187L.
Identifiers: ClinVar variation 2064767 (VCV002064767.5), dbSNP rs2071758280, ClinGen allele CA414890200.
Genomic context (GRCh38, chrX:154,767,301, plus strand): 5'-TGTGTTTGTTCTTAGGCCCTAGAAACTCTGACAGGTGCCTTATTCCAGCGACCCCCACTT[A>C]TTGCTGCAGTAAAGAGGCAGCTCCGAGTGAGGACCATCTACGAGAGCAAAATGATTGAAT-3'
Protein context (NP_001354.1, residues 177-197): TGALFQRPPL[Ile187Leu]AAVKRQLRVR